The following is an entry in ClinVar:

NM_001002294.3(FMO3):c.182A>G (p.Asn61Ser)

Gene: FMO3 (flavin containing dimethylaniline monoxygenase 3; plus strand). Cytogenetic location: 1q24.3.
Variant type: single nucleotide variant.
Coding change: c.182A>G on transcript NM_001002294.3 (MANE Select); coding-DNA position 182, A replaced by G.
Protein change: p.Asn61Ser; replaces asparagine 61 with serine.
Molecular consequence: missense variant. On other transcripts: intron variant (1).
Genome position (GRCh38, 1-based): chr1:171,103,834, A>G. VCF-style: chr1-171103834-A-G. GRCh37 (hg19) VCF-style: chr1-171072975-A-G.
Other names: c.122A>G, p.Asn41Ser (NM_001319173.2); c.182A>G, p.Asn61Ser (NM_006894.6); c.133-3841A>G (NM_001319174.2); c.182A>G (NM_001002294.2); short protein forms N61S, N41S.
Identifiers: ClinVar variation 16313 (VCV000016313.6), dbSNP rs72549322, ClinGen allele CA341397.

ClinVar aggregate classification (germline): Likely pathogenic. Review status: criteria provided, multiple submitters, no conflicts (2 of 4 stars). 4 submissions from 4 submitters: Likely pathogenic (2). 2 of the submissions do not count toward it. Last evaluated 2025-01-10.

Conditions:
Trimethylaminuria (TMAU). Also called: FISH-ODOR SYNDROME; Primary Trimethylaminuria; Fish malodor syndrome; Stale fish syndrome; TMAuria. Identifiers: MedGen C0342739, MONDO:0011182, OMIM 602079, HP:0003614. Disease mechanism: loss of function.

Allele frequency attached by ClinVar (database versions not stated): ExAC 0.00002; gnomAD 0.00003; gnomAD exomes 0.00002; TOPMed 0.00001.
gnomAD v4.1: 32 of 1,613,632 alleles (0.002%); highest among the groups gnomAD compares: Non-Finnish European, 0.0026%; no homozygotes.

Submissions (4):

Myriad Genetics, Inc.
Classification: Likely pathogenic for Trimethylaminuria. Last evaluated: 2025-01-10. Review status: criteria provided, single submitter. Criteria: Myriad Autosomal Dominant, Autosomal Recessive and X-Linked Classification Criteria (2023). Collection method: clinical testing. Allele origin: unknown.
Comment: NM_001002294.2(FMO3):c.182A>G(N61S) is a missense variant classified as likely pathogenic in the context of primary trimethylaminuria. N61S has been observed in a case with relevant disease (PMID: 11191884). Relevant functional assessments of this variant are available in the literature (PMID: 11191884, 17531949, 29116146). Internal structural analysis of the variant is supportive of pathogenicity. N61S has been observed in referenced population frequency databases. In summary, NM_001002294.2(FMO3):c.182A>G(N61S) is a missense variant that has internal structural support for pathogenicity and has been observed more frequently in cases with the relevant disease than in healthy populations. Please note: this variant was assessed in the context of healthy population screening.

Women's Health and Genetics/Laboratory Corporation of America, LabCorp
Classification: Likely pathogenic for Trimethylaminuria. Last evaluated: 2023-08-07. Review status: criteria provided, single submitter. Criteria: LabCorp Variant Classification Summary - May 2015. Collection method: clinical testing. Allele origin: germline.
Comment: Variant summary: FMO3 c.182A>G (p.Asn61Ser) results in a conservative amino acid change in the encoded protein sequence. Four of five in-silico tools predict a damaging effect of the variant on protein function. The variant allele was found at a frequency of 1.6e-05 in 251252 control chromosomes (gnomAD). c.182A>G has been reported in the literature in individuals affected with Trimethylaminuria who had another missense variant in trans that some ClinVar submitters have classified as pathogenic (Dolphin_2000). These data indicate that the variant may be associated with disease. Publications report experimental evidence evaluating an impact on protein function, finding a variant effect resulting in <10% of normal trimethylamine metabolism and NADPH binding affinity (Dolphin_2000, Yeung_2007, Gao_2017). The following publications have been ascertained in the context of this evaluation (PMID: 29116146, 31580948, 11191884, 17531949). No submitters have cited clinical-significance assessments for this variant to ClinVar after 2014. Based on the evidence outlined above, the variant was classified as likely pathogenic.

OMIM
Classification: Pathogenic for TRIMETHYLAMINURIA. Last evaluated: 2000-12-01. Review status: no assertion criteria provided. Collection method: literature only. Allele origin: germline. Not counted in ClinVar's aggregate classification.

GeneReviews
No classification provided. Condition: Trimethylaminuria. Review status: no classification provided. Collection method: literature only. Allele origin: germline. Affected: yes. Not counted in ClinVar's aggregate classification.

Literature cited by the submitters: PubMed 11191884 (cited by 4 submitters); PubMed 17531949 (cited by Myriad Genetics, Inc. and Women's Health and Genetics/Laboratory Corporation of America, LabCorp); PubMed 29116146 (cited by Myriad Genetics, Inc. and Women's Health and Genetics/Laboratory Corporation of America, LabCorp); PubMed 31580948 (cited by Women's Health and Genetics/Laboratory Corporation of America, LabCorp); NCBI Bookshelf NBK1103 (cited by GeneReviews).